The following is an entry in ClinVar:

ClinVar aggregate classification (germline): Pathogenic (1 of 4 stars; one submission).

Submission:

Labcorp Genetics (formerly Invitae), Labcorp
Classification: Pathogenic. Last evaluated: 2023-11-15. Review status: criteria provided, single submitter. Criteria: Invitae Variant Classification Sherloc (09022015). Collection method: clinical testing. Allele origin: germline.
Comment: This sequence change creates a premature translational stop signal (p.Gln345*) in the POLE gene. It is expected to result in an absent or disrupted protein product. Loss-of-function variants in POLE are known to be pathogenic (PMID: 23230001, 25948378, 30503519). This variant is not present in population databases (gnomAD no frequency). This variant has not been reported in the literature in individuals affected with POLE-related conditions. Algorithms developed to predict the effect of sequence changes on RNA splicing suggest that this variant may disrupt the consensus splice site. For these reasons, this variant has been classified as Pathogenic.

Literature cited by the submitters: PubMed 23230001; PubMed 25948378; PubMed 30503519.

NM_006231.4(POLE):c.1033C>T (p.Gln345Ter)

Gene: POLE (DNA polymerase epsilon, catalytic subunit; minus strand). Cytogenetic location: 12q24.33.
Variant type: single nucleotide variant.
Coding change: c.1033C>T on transcript NM_006231.4 (MANE Select); coding-DNA position 1033, C replaced by T.
Protein change: p.Gln345Ter; replaces glutamine 345 with a stop codon.
Molecular consequence: nonsense.
Genome position (GRCh38, 1-based): chr12:132,675,808, G>A on the plus strand (C>T on the coding strand, the complement: POLE is on the minus strand). VCF-style: chr12-132675808-G-A. GRCh37 (hg19) VCF-style: chr12-133252394-G-A.
Other names: short protein forms Q345*.
Identifiers: ClinVar variation 2696249 (VCV002696249.3), dbSNP rs2136011926, ClinGen allele CA387361829.